The following is an entry in ClinVar:

ClinVar aggregate classification (germline): Pathogenic (1 of 4 stars; one submission).

Conditions:
Immunodeficiency 67. Also called: Immunodeficiency due to interleukin-1 receptor-associated kinase-4 deficiency. Identifiers: Orphanet 70592, MedGen C1843256, MONDO:0011888, OMIM 607676.

Submission:

Labcorp Genetics (formerly Invitae), Labcorp
Classification: Pathogenic for Immunodeficiency 67. Last evaluated: 2023-04-26. Review status: criteria provided, single submitter. Criteria: Invitae Variant Classification Sherloc (09022015). Collection method: clinical testing. Allele origin: unknown.
Comment: For these reasons, this variant has been classified as Pathogenic. A similar copy number variant has been observed in individual(s) with IRAK-4 deficiency (PMID: 17893200). A gross deletion of the genomic region encompassing the full coding sequence of the IRAK4 gene has been identified. Loss-of-function variants in IRAK4 are known to be pathogenic (PMID: 17893200, 21057262). The boundaries of this event are unknown as they extend beyond the assayed region for this gene and therefore may encompass additional genes.

Literature cited by the submitters: PubMed 17893200; PubMed 21057262.

NC_000012.11:g.(?_44161915)_(44180518_?)del

Gene: IRAK4 (interleukin 1 receptor associated kinase 4; plus strand). Cytogenetic location: 12q12.
Variant type: Deletion.
Identifiers: ClinVar variation 3244312 (VCV003244312.1).